The following is an entry in ClinVar:

NM_001378974.1(FBXW11):c.1154C>A (p.Ala385Asp)

Gene: FBXW11 (F-box and WD repeat domain containing 11; minus strand). Cytogenetic location: 5q35.1.
Variant type: single nucleotide variant.
Coding change: c.1154C>A on transcript NM_001378974.1 (MANE Select); coding-DNA position 1154, C replaced by A.
Protein change: p.Ala385Asp; replaces alanine 385 with aspartic acid.
Molecular consequence: missense variant.
Genome position (GRCh38, 1-based): chr5:171,876,352, G>T on the plus strand (C>A on the coding strand, the complement: FBXW11 is on the minus strand). VCF-style: chr5-171876352-G-T. GRCh37 (hg19) VCF-style: chr5-171303356-G-T.
Other names: c.1085C>A, p.Ala362Asp (NM_001378975.1); c.1058C>A, p.Ala353Asp (NM_001378976.1); c.995C>A, p.Ala332Asp (NM_001378977.1, NM_001378978.1, NM_001378979.1); c.989C>A, p.Ala330Asp (NM_001378980.1, NM_033645.3); c.1091C>A, p.Ala364Asp (NM_012300.3); c.1052C>A, p.Ala351Asp (NM_033644.3); short protein forms A364D, A330D, A332D, A351D, A353D, A362D, A385D.
Identifiers: ClinVar variation 917897 (VCV000917897.3), dbSNP rs1758081491, ClinGen allele CA362213565.

ClinVar aggregate classification (germline): Likely pathogenic. Review status: criteria provided, single submitter (1 of 4 stars). 2 submissions from 2 submitters: Likely pathogenic (1). 1 of the submissions does not count toward it. Last evaluated 2021-04-13.

Conditions:
Neurodevelopmental, jaw, eye, and digital syndrome (NEDJED). Identifiers: MedGen C5394477, MONDO:0030057, OMIM 618914.

Submissions (2):

SIB Swiss Institute of Bioinformatics
Classification: Likely pathogenic for Neurodevelopmental, jaw, eye, and digital syndrome. Last evaluated: 2021-04-13. Review status: criteria provided, single submitter. Criteria: ACMG Guidelines, 2015. Collection method: curation. Allele origin: unknown.
Comment: This variant is interpreted as likely pathogenic for Neurodevelopmental, jaw, eye, and digital syndrome, autosomal dominant. The following ACMG Tag(s) were applied: Absent from controls (or at extremely low frequency if recessive) in Exome Sequencing Project, 1000 Genomes Project, or Exome Aggregation Consortium (PM2); Assumed de novo, but no confirmation of paternity and maternity (PM6); Multiple lines of computational evidence support a deleterious effect on the gene or gene product (PP3); Missense variant in a gene that has a low rate of benign missense variation and in which missense variants are a common mechanism of disease (PP2).

OMIM
Classification: Pathogenic for NEURODEVELOPMENTAL, JAW, EYE, AND DIGITAL SYNDROME. Last evaluated: 2020-06-16. Review status: no assertion criteria provided. Collection method: literature only. Allele origin: germline. Not counted in ClinVar's aggregate classification.

Literature cited by the submitters: PubMed 31402090 (cited by SIB Swiss Institute of Bioinformatics and OMIM).